The following is an entry in ClinVar:

ClinVar aggregate classification (germline): Likely pathogenic (1 of 4 stars; one submission).

Submission:

Labcorp Genetics (formerly Invitae), Labcorp
Classification: Likely pathogenic. Last evaluated: 2025-03-17. Review status: criteria provided, single submitter. Criteria: Invitae Variant Classification Sherloc (09022015). Collection method: clinical testing. Allele origin: germline.
Comment: This sequence change affects an acceptor splice site in intron 5 of the SLC25A3 gene. It is expected to disrupt RNA splicing. Variants that disrupt the donor or acceptor splice site typically lead to a loss of protein function (PMID: 16199547), and loss-of-function variants in SLC25A3 are known to be pathogenic (PMID: 17273968, 21763135). This variant is not present in population databases (gnomAD no frequency). This variant has not been reported in the literature in individuals affected with SLC25A3-related conditions. ClinVar contains an entry for this variant (Variation ID: 1495713). Algorithms developed to predict the effect of sequence changes on RNA splicing suggest that this variant may disrupt the consensus splice site. In summary, the currently available evidence indicates that the variant is pathogenic, but additional data are needed to prove that conclusively. Therefore, this variant has been classified as Likely Pathogenic.

Literature cited by the submitters: PubMed 16199547; PubMed 17273968; PubMed 21763135.

NM_002635.4(SLC25A3):c.642-2A>G

Gene: SLC25A3 (solute carrier family 25 member 3; plus strand). Cytogenetic location: 12q23.1.
Variant type: single nucleotide variant.
Coding change: c.642-2A>G on transcript NM_002635.4 (MANE Select); the canonical splice acceptor site of the intron before coding-DNA position 642, A replaced by G.
Molecular consequence: splice acceptor variant.
Genome position (GRCh38, 1-based): chr12:98,599,953, A>G. VCF-style: chr12-98599953-A-G. GRCh37 (hg19) VCF-style: chr12-98993731-A-G.
Other names: c.642-2A>G (NM_213611.3); c.645-2A>G (NM_005888.4).
Identifiers: ClinVar variation 1495713 (VCV001495713.6), dbSNP rs2153287079, ClinGen allele CA386168002.